The following is an entry in ClinVar:

ClinVar aggregate classification (germline): Likely benign (1 of 4 stars; one submission).

Allele frequency attached by ClinVar (database versions not stated): TOPMed 0.00003; gnomAD 0.00004.
gnomAD v4.1: 81 of 1,613,822 alleles (0.005%); highest among the groups gnomAD compares: Non-Finnish European, 0.006%; no homozygotes.

Submission:

CeGaT Center for Human Genetics Tuebingen
Classification: Likely benign. Last evaluated: 2023-11-01. Review status: criteria provided, single submitter. Criteria: CeGaT Center For Human Genetics Tuebingen Variant Classification Criteria Version 2. Collection method: clinical testing. Allele origin: germline. Affected: yes. Observed: 1 variant allele.
Comment: SEMA5A: BP4, BP7

NM_003966.3(SEMA5A):c.2571C>T (p.Cys857=)

Gene: SEMA5A (semaphorin 5A; minus strand). Cytogenetic location: 5p15.31.
Variant type: single nucleotide variant.
Coding change: c.2571C>T on transcript NM_003966.3 (MANE Select); coding-DNA position 2571, C replaced by T.
Protein change: p.Cys857=; no amino-acid change (cysteine 857 retained).
Molecular consequence: synonymous variant.
Genome position (GRCh38, 1-based): chr5:9,054,205, G>A on the plus strand (C>T on the coding strand, the complement: SEMA5A is on the minus strand). VCF-style: chr5-9054205-G-A. GRCh37 (hg19) VCF-style: chr5-9054317-G-A.
Identifiers: ClinVar variation 2673004 (VCV002673004.23), dbSNP rs754390056, ClinGen allele CA3196411.